The following is an entry in ClinVar:

NM_006218.4(PIK3CA):c.1375A>G (p.Ile459Val)

Gene: PIK3CA (phosphatidylinositol-4,5-bisphosphate 3-kinase catalytic subunit alpha; plus strand). Cytogenetic location: 3q26.32.
Variant type: single nucleotide variant.
Coding change: c.1375A>G on transcript NM_006218.4 (MANE Select); coding-DNA position 1375, A replaced by G.
Protein change: p.Ile459Val; replaces isoleucine 459 with valine.
Molecular consequence: missense variant.
Genome position (GRCh38, 1-based): chr3:179,210,309, A>G. VCF-style: chr3-179210309-A-G. GRCh37 (hg19) VCF-style: chr3-178928097-A-G.
Other names: short protein forms I459V.
Identifiers: ClinVar variation 4537784 (VCV004537784.1).
Genomic context (GRCh38, chr3:179,210,309, plus strand): 5'-GGAAAAATGGCTTTGAATCTTTGGCCAGTACCTCATGGATTAGAAGATTTGCTGAACCCT[A>G]TTGGTGTTACTGGATCAAATCCAAATAAAGTAAGGTTTTTATTGTCATAAATTAGATATT-3'
Protein context (NP_006209.2, residues 449-469): PHGLEDLLNP[Ile459Val]GVTGSNPNKE

ClinVar aggregate classification (germline): Uncertain significance (1 of 4 stars; one submission).

Submission:

GeneDx
Classification: Uncertain significance. Last evaluated: 2025-06-13. Review status: criteria provided, single submitter. Criteria: GeneDx Variant Classification Process June 2021. Collection method: clinical testing. Allele origin: germline. Affected: yes.
Comment: Not observed at significant frequency in large population cohorts (gnomAD); In silico analysis suggests that this missense variant does not alter protein structure/function; Has not been previously published as pathogenic or benign to our knowledge